The following is an entry in ClinVar:

NM_001111.5(ADAR):c.2042A>G (p.His681Arg)

Gene: ADAR (adenosine deaminase RNA specific; minus strand). Cytogenetic location: 1q21.3.
Variant type: single nucleotide variant.
Coding change: c.2042A>G on transcript NM_001111.5 (MANE Select); coding-DNA position 2042, A replaced by G.
Protein change: p.His681Arg; replaces histidine 681 with arginine.
Molecular consequence: missense variant.
Genome position (GRCh38, 1-based): chr1:154,597,160, T>C on the plus strand (A>G on the coding strand, the complement: ADAR is on the minus strand). VCF-style: chr1-154597160-T-C. GRCh37 (hg19) VCF-style: chr1-154569636-T-C.
Other names: c.2042A>G (NM_001111.4); c.1157A>G, p.His386Arg (NM_001025107.3, NM_001193495.2, NM_001365046.1 and 3 more transcripts); c.2069A>G, p.His690Arg (NM_001365045.1); c.2042A>G, p.His681Arg (NM_015840.4, NM_015841.4); short protein forms H681R, H690R, H386R.
Identifiers: ClinVar variation 1445510 (VCV001445510.7), dbSNP rs762924757, ClinGen allele CA1131398.

ClinVar aggregate classification (germline): Uncertain significance. Review status: criteria provided, multiple submitters, no conflicts (2 of 4 stars). 2 submissions from 2 submitters: Uncertain significance (2). Last evaluated 2025-09-02.

Conditions:
Inborn genetic diseases. Identifiers: MedGen C0950123, MeSH D030342.
Aicardi-Goutieres syndrome 6 (AGS6). Identifiers: Orphanet 51, MedGen C3539013, MONDO:0014007, OMIM 615010.
Symmetrical dyschromatosis of extremities (DSH). Also called: DYSCHROMATOSIS SYMMETRICA HEREDITARIA 1; RETICULATE ACROPIGMENTATION OF DOHI; SYMMETRIC DYSCHROMATOSIS OF THE EXTREMITIES; Dyschromatosis symmetrica hereditaria. Identifiers: Orphanet 41, MedGen C0406775, MONDO:0007483, OMIM 127400.

Allele frequency attached by ClinVar (database versions not stated): gnomAD exomes below 0.00001 and 0.00001; TOPMed below 0.00001; ExAC 0.00001.
gnomAD v4.1: 7 of 1,614,222 alleles (0.00043%); highest among the groups gnomAD compares: Middle Eastern, 0.016%; no homozygotes.

Submissions (2):

Labcorp Genetics (formerly Invitae), Labcorp
Classification: Uncertain significance for Aicardi-Goutieres syndrome 6; Symmetrical dyschromatosis of extremities. Last evaluated: 2025-09-02. Review status: criteria provided, single submitter. Criteria: Invitae Variant Classification Sherloc (09022015). Collection method: clinical testing. Allele origin: germline.
Comment: This sequence change replaces histidine, which is basic and polar, with arginine, which is basic and polar, at codon 681 of the ADAR protein (p.His681Arg). This variant is present in population databases (rs762924757, gnomAD 0.009%). This variant has not been reported in the literature in individuals affected with ADAR-related conditions. ClinVar contains an entry for this variant (Variation ID: 1445510). Invitae Evidence Modeling of protein sequence and biophysical properties (such as structural, functional, and spatial information, amino acid conservation, physicochemical variation, residue mobility, and thermodynamic stability) indicates that this missense variant is not expected to disrupt ADAR protein function with a negative predictive value of 80%. In summary, the available evidence is currently insufficient to determine the role of this variant in disease. Therefore, it has been classified as a Variant of Uncertain Significance.

Ambry Genetics
Classification: Uncertain significance for Inborn genetic diseases. Last evaluated: 2024-04-06. Review status: criteria provided, single submitter. Criteria: Ambry Variant Classification Scheme 2023. Collection method: clinical testing. Allele origin: germline.